The following is an entry in ClinVar:

NM_000321.3(RB1):c.1506A>G (p.Thr502=)

Gene: RB1 (RB transcriptional corepressor 1; plus strand). Cytogenetic location: 13q14.2.
Variant type: single nucleotide variant.
Coding change: c.1506A>G on transcript NM_000321.3 (MANE Select); coding-DNA position 1506, A replaced by G.
Protein change: p.Thr502=; no amino-acid change (threonine 502 retained).
Molecular consequence: synonymous variant.
Genome position (GRCh38, 1-based): chr13:48,381,254, A>G. VCF-style: chr13-48381254-A-G. GRCh37 (hg19) VCF-style: chr13-48955390-A-G.
Identifiers: ClinVar variation 410931 (VCV000410931.10), dbSNP rs1060503081, ClinGen allele CA16614051.

ClinVar aggregate classification (germline): Benign/Likely benign. Review status: criteria provided, multiple submitters, no conflicts (2 of 4 stars). 3 submissions from 3 submitters: Benign (1); Likely benign (2). Last evaluated 2026-06-24.

Conditions:
Hereditary cancer-predisposing syndrome. Also called: Hereditary Cancer Syndrome; Neoplastic Syndromes, Hereditary; Hereditary neoplastic syndrome; Tumor predisposition. Identifiers: Orphanet 140162, MedGen C0027672, MeSH D009386, MONDO:0015356.
Retinoblastoma (RB1). Also called: RETINOBLASTOMA, SOMATIC. Identifiers: Orphanet 790, MedGen C0035335, MeSH D012175, MONDO:0008380, OMIM 180200, HP:0009919. Disease mechanism: loss of function. Inheritance: Both sporadic and heritable forms are tested..

Submissions (3):

Myriad Genetics, Inc.
Classification: Benign for Retinoblastoma. Last evaluated: 2026-06-24. Review status: criteria provided, single submitter. Criteria: Myriad Autosomal Dominant, Autosomal Recessive and X-Linked Classification Criteria (2023). Collection method: clinical testing. Allele origin: unknown.
Comment: This variant is considered benign. This variant is a silent/synonymous amino acid change and it is not expected to impact splicing.

Ambry Genetics
Classification: Likely benign for Hereditary cancer-predisposing syndrome. Last evaluated: 2024-03-23. Review status: criteria provided, single submitter. Criteria: Ambry Variant Classification Scheme 2023. Collection method: clinical testing. Allele origin: germline.

Labcorp Genetics (formerly Invitae), Labcorp
Classification: Likely benign for Retinoblastoma. Last evaluated: 2024-02-17. Review status: criteria provided, single submitter. Criteria: Invitae Variant Classification Sherloc (09022015). Collection method: clinical testing. Allele origin: germline.